The following is an entry in ClinVar:

ClinVar aggregate classification (germline): Uncertain significance (1 of 4 stars; one submission).

Conditions:
Fanconi anemia (FA). Also called: Fanconi's anemia. Identifiers: Orphanet 84, MedGen C0015625, MeSH D005199, MONDO:0019391.

Submission:

Labcorp Genetics (formerly Invitae), Labcorp
Classification: Uncertain significance for Fanconi anemia. Last evaluated: 2020-10-21. Review status: criteria provided, single submitter. Criteria: Invitae Variant Classification Sherloc (09022015). Collection method: clinical testing. Allele origin: germline.
Comment: Advanced modeling of protein sequence and biophysical properties (such as structural, functional, and spatial information, amino acid conservation, physicochemical variation, residue mobility, and thermodynamic stability) performed at Invitae indicates that this missense variant is not expected to disrupt FANCA protein function. This variant has not been reported in the literature in individuals with FANCA-related conditions. This variant is not present in population databases (ExAC no frequency). This sequence change replaces threonine with isoleucine at codon 949 of the FANCA protein (p.Thr949Ile). The threonine residue is weakly conserved and there is a moderate physicochemical difference between threonine and isoleucine. In summary, the available evidence is currently insufficient to determine the role of this variant in disease. Therefore, it has been classified as a Variant of Uncertain Significance.

NM_000135.4(FANCA):c.2846C>T (p.Thr949Ile)

Gene: FANCA (FA complementation group A; minus strand). Cytogenetic location: 16q24.3.
Variant type: single nucleotide variant.
Coding change: c.2846C>T on transcript NM_000135.4 (MANE Select); coding-DNA position 2846, C replaced by T.
Protein change: p.Thr949Ile; replaces threonine 949 with isoleucine.
Molecular consequence: missense variant.
Genome position (GRCh38, 1-based): chr16:89,761,955, G>A on the plus strand (C>T on the coding strand, the complement: FANCA is on the minus strand). VCF-style: chr16-89761955-G-A. GRCh37 (hg19) VCF-style: chr16-89828363-G-A.
Other names: c.2846C>T, p.Thr949Ile (NM_001286167.3); short protein forms T949I.
Identifiers: ClinVar variation 1017086 (VCV001017086.8), dbSNP rs2038967398, ClinGen allele CA397433156.